The following is an entry in ClinVar:

ClinVar aggregate classification (germline): Uncertain significance (1 of 4 stars; one submission).

Submission:

GeneDx
Classification: Uncertain significance. Last evaluated: 2018-05-17. Review status: criteria provided, single submitter. Criteria: GeneDx Variant Classification (06012015). Collection method: clinical testing. Allele origin: germline. Affected: yes.
Comment: The c.2918_2932del15 variant in the ADNP gene has not been reported previously as a pathogenic variant nor as a benign variant, to our knowledge. This variant causes an in-frame deletion of 6 amino acids and the insertion of 1 incorrect amino acid, denoted p.E973_S978delinsA. The c.2918_2932del15 variant is not observed in large population cohorts (Lek et al., 2016). In silico analyses, including protein predictors and evolutionary conservation, support that this variant does not alter protein structure/function. We interpret c.2918_2932del15 as a variant of uncertain significance.

NM_001282531.3(ADNP):c.2918_2932del (p.Glu973_Ser978delinsAla)

Gene: ADNP (activity dependent neuroprotector homeobox; minus strand). Cytogenetic location: 20q13.13.
Variant type: Deletion.
Coding change: c.2918_2932del on transcript NM_001282531.3 (MANE Select); coding-DNA positions 2918 to 2932, 15 bases deleted (AGAGTGGGCCTGGAT).
Protein change: p.Glu973_Ser978delinsAla.
Molecular consequence: inframe indel.
Genome position (GRCh38, 1-based): chr20:50,891,782-50,891,796, ATCCAGGCCCACTCT deleted on the plus strand (AGAGTGGGCCTGGAT on the coding strand, the reverse complement: ADNP is on the minus strand). VCF-style (leftmost placement, unchanged base first): chr20-50891781-GATCCAGGCCCACTCT-G. GRCh37 (hg19) VCF-style: chr20-49508318-GATCCAGGCCCACTCT-G.
Other names: c.2918_2932delAGAGTGGGCCTGGAT (NM_015339.2); c.2918_2932del, p.Glu973_Ser978delinsAla (NM_001282532.2, NM_001347511.2, NM_015339.5 and 1 more transcripts).
Identifiers: ClinVar variation 546231 (VCV000546231.2), dbSNP rs1555809585, ClinGen allele CA658824199.